The following is an entry in ClinVar:

ClinVar aggregate classification (germline): Pathogenic (1 of 4 stars; one submission).

Conditions:
Primary ciliary dyskinesia. Also called: Ciliary dyskinesia. Identifiers: Orphanet 244, MedGen C0008780, MONDO:0016575, HP:0012265.

Submission:

Labcorp Genetics (formerly Invitae), Labcorp
Classification: Pathogenic for Primary ciliary dyskinesia. Last evaluated: 2023-01-09. Review status: criteria provided, single submitter. Criteria: Invitae Variant Classification Sherloc (09022015). Collection method: clinical testing. Allele origin: germline.
Comment: This sequence change creates a premature translational stop signal (p.Gln247*) in the RPGR gene. It is expected to result in an absent or disrupted protein product. Loss-of-function variants in RPGR are known to be pathogenic (PMID: 16055928, 16969763). For these reasons, this variant has been classified as Pathogenic. This premature translational stop signal has been observed in individual(s) with retinitis pigmentosa (PMID: 28157192). This variant is not present in population databases (gnomAD no frequency).

Literature cited by the submitters: PubMed 16055928; PubMed 16969763; PubMed 28157192.

NM_001034853.2(RPGR):c.739C>T (p.Gln247Ter)

Gene: RPGR (retinitis pigmentosa GTPase regulator; minus strand). Cytogenetic location: Xp11.4.
Variant type: single nucleotide variant.
Coding change: c.739C>T on transcript NM_001034853.2 (MANE Select); coding-DNA position 739, C replaced by T.
Protein change: p.Gln247Ter; replaces glutamine 247 with a stop codon.
Molecular consequence: nonsense. On other transcripts: non-coding transcript variant (6).
Genome position (GRCh38, 1-based): chrX:38,310,654, G>A on the plus strand (C>T on the coding strand, the complement: RPGR is on the minus strand). VCF-style: chrX-38310654-G-A. GRCh37 (hg19) VCF-style: chrX-38169907-G-A.
Other names: c.739C>T, p.Gln247Ter (NM_000328.3, NM_001367246.1, NM_001367247.1 and 1 more transcripts); c.736C>T, p.Gln246Ter (NM_001367245.1, NM_001367249.1, NM_001367250.1); c.769C>T, p.Gln257Ter (NM_001367248.1); short protein forms Q257*, Q247*, Q246*.
Identifiers: ClinVar variation 2910486 (VCV002910486.3), dbSNP rs2519865708, ClinGen allele CA412742616.